The following is an entry in ClinVar:

ClinVar aggregate classification (germline): Uncertain significance (1 of 4 stars; one submission).

Allele frequency attached by ClinVar (database versions not stated): gnomAD exomes below 0.00001.

Submission:

GeneDx
Classification: Uncertain significance. Last evaluated: 2019-11-25. Review status: criteria provided, single submitter. Criteria: GeneDx Variant Classification Process June 2021. Collection method: clinical testing. Allele origin: germline. Affected: yes.
Comment: Has not been previously published as pathogenic or benign to our knowledge; Not observed in large population cohorts (Lek et al., 2016); In silico analysis, which includes protein predictors and evolutionary conservation, supports that this variant does not alter protein structure/function

NM_006005.3(WFS1):c.456A>T (p.Arg152Ser)

Gene: WFS1 (wolframin ER transmembrane glycoprotein; plus strand). Cytogenetic location: 4p16.1.
Variant type: single nucleotide variant.
Coding change: c.456A>T on transcript NM_006005.3 (MANE Select); coding-DNA position 456, A replaced by T.
Protein change: p.Arg152Ser; replaces arginine 152 with serine.
Molecular consequence: missense variant.
Genome position (GRCh38, 1-based): chr4:6,289,127, A>T. VCF-style: chr4-6289127-A-T. GRCh37 (hg19) VCF-style: chr4-6290854-A-T.
Other names: c.456A>T, p.Arg152Ser (NM_001145853.1); short protein forms R152S.
Identifiers: ClinVar variation 1315939 (VCV001315939.2), dbSNP rs1730394590, ClinGen allele CA356171806.